The following is an entry in ClinVar:

NM_032444.4(SLX4):c.4898C>T (p.Thr1633Ile)

Gene: SLX4 (SLX4 structure-specific endonuclease subunit; minus strand). Cytogenetic location: 16p13.3.
Variant type: single nucleotide variant.
Coding change: c.4898C>T on transcript NM_032444.4 (MANE Select); coding-DNA position 4898, C replaced by T.
Protein change: p.Thr1633Ile; replaces threonine 1633 with isoleucine.
Molecular consequence: missense variant.
Genome position (GRCh38, 1-based): chr16:3,583,352, G>A on the plus strand (C>T on the coding strand, the complement: SLX4 is on the minus strand). VCF-style: chr16-3583352-G-A. GRCh37 (hg19) VCF-style: chr16-3633353-G-A.
Other names: short protein forms T1633I.
Identifiers: ClinVar variation 1041641 (VCV001041641.8), dbSNP rs1173889397, ClinGen allele CA394515153.

ClinVar aggregate classification (germline): Uncertain significance (1 of 4 stars; one submission).

Conditions:
Fanconi anemia (FA). Also called: Fanconi's anemia. Identifiers: Orphanet 84, MedGen C0015625, MeSH D005199, MONDO:0019391.

Allele frequency attached by ClinVar (database versions not stated): gnomAD exomes 0.00001.

Submission:

Labcorp Genetics (formerly Invitae), Labcorp
Classification: Uncertain significance for Fanconi anemia. Last evaluated: 2024-02-16. Review status: criteria provided, single submitter. Criteria: Invitae Variant Classification Sherloc (09022015). Collection method: clinical testing. Allele origin: germline.
Comment: This sequence change replaces threonine, which is neutral and polar, with isoleucine, which is neutral and non-polar, at codon 1633 of the SLX4 protein (p.Thr1633Ile). This variant is present in population databases (no rsID available, gnomAD 0.01%). This variant has not been reported in the literature in individuals affected with SLX4-related conditions. ClinVar contains an entry for this variant (Variation ID: 1041641). An algorithm developed to predict the effect of missense changes on protein structure and function (PolyPhen-2) suggests that this variant is likely to be disruptive. In summary, the available evidence is currently insufficient to determine the role of this variant in disease. Therefore, it has been classified as a Variant of Uncertain Significance.